The following is an entry in ClinVar:

NM_000506.5(F2):c.1140G>A (p.Met380Ile)

Gene: F2 (coagulation factor II, thrombin; plus strand). Cytogenetic location: 11p11.2.
Variant type: single nucleotide variant.
Coding change: c.1140G>A on transcript NM_000506.5 (MANE Select); coding-DNA position 1140, G replaced by A.
Protein change: p.Met380Ile; replaces methionine 380 with isoleucine.
Molecular consequence: missense variant.
Genome position (GRCh38, 1-based): chr11:46,728,005, G>A. VCF-style: chr11-46728005-G-A. GRCh37 (hg19) VCF-style: chr11-46749555-G-A.
Other names: short protein forms M380I.
Identifiers: ClinVar variation 3713152 (VCV003713152.2).
Genomic context (GRCh38, chr11:46,728,005, plus strand): 5'-GAGGCAGCCCCCTCATCCTCAGCTCCTAATGCTTCCTGCTGCCCCTCCCAGGCAGGTGAT[G>A]CTTTTCCGGAAGAGTCCCCAGGAGCTGCTGTGTGGGGCCAGCCTCATCAGTGACCGCTGG-3'
Protein context (NP_000497.1, residues 370-390): AEIGMSPWQV[Met380Ile]LFRKSPQELL

ClinVar aggregate classification (germline): Uncertain significance (1 of 4 stars; one submission).

Conditions:
Congenital prothrombin deficiency. Also called: Factor II deficiency; Inherited hypoprothrombinemia; Congenital factor II deficiency; Inherited prothrombin deficiency; Hereditary factor II deficiency disease; HYPOPROTHROMBINEMIA. Identifiers: Orphanet 325, MedGen C0272317, MONDO:0013361, OMIM 613679.

gnomAD v4.1: 1 of 1,610,004 alleles (0.000062%); highest among the groups gnomAD compares: Non-Finnish European, 0.000085%; no homozygotes.

Submission:

Labcorp Genetics (formerly Invitae), Labcorp
Classification: Uncertain significance for Congenital prothrombin deficiency. Last evaluated: 2024-06-17. Review status: criteria provided, single submitter. Criteria: Invitae Variant Classification Sherloc (09022015). Collection method: clinical testing. Allele origin: germline.
Comment: This sequence change replaces methionine, which is neutral and non-polar, with isoleucine, which is neutral and non-polar, at codon 380 of the F2 protein (p.Met380Ile). This variant is not present in population databases (gnomAD no frequency). This variant has not been reported in the literature in individuals affected with F2-related conditions. Advanced modeling of protein sequence and biophysical properties (such as structural, functional, and spatial information, amino acid conservation, physicochemical variation, residue mobility, and thermodynamic stability) performed at Invitae indicates that this missense variant is expected to disrupt F2 protein function with a positive predictive value of 80%. In summary, the available evidence is currently insufficient to determine the role of this variant in disease. Therefore, it has been classified as a Variant of Uncertain Significance.